The following is an entry in ClinVar:

NM_015175.3(NBEAL2):c.6202T>C (p.Trp2068Arg)

Gene: NBEAL2 (neurobeachin like 2; plus strand). Cytogenetic location: 3p21.31.
Variant type: single nucleotide variant.
Coding change: c.6202T>C on transcript NM_015175.3 (MANE Select); coding-DNA position 6202, T replaced by C.
Protein change: p.Trp2068Arg; replaces tryptophan 2068 with arginine.
Molecular consequence: missense variant.
Genome position (GRCh38, 1-based): chr3:47,004,498, T>C. VCF-style: chr3-47004498-T-C. GRCh37 (hg19) VCF-style: chr3-47045988-T-C.
Other names: c.6100T>C, p.Trp2034Arg (NM_001365116.2); short protein forms W2034R, W2068R.
Identifiers: ClinVar variation 982275 (VCV000982275.1), dbSNP rs2037277207, ClinGen allele CA352530022.

ClinVar aggregate classification (germline): Uncertain significance (1 of 4 stars; one submission).

Conditions:
Gray platelet syndrome (GPS). Also called: BLEEDING DISORDER, PLATELET-TYPE, 4. Identifiers: Orphanet 721, MedGen C0272302, MONDO:0007686, OMIM 139090.

Submission:

NIHR Bioresource Rare Diseases, University of Cambridge
Classification: Uncertain significance for Gray platelet syndrome. Last evaluated: 2020-03-01. Review status: criteria provided, single submitter. Criteria: ACMG Guidelines, 2015. Collection method: research. Allele origin: unknown. Inheritance: Autosomal recessive inheritance. Affected: yes. Observed: 1 compound heterozygote.
Comment: ACMG criteria: PM2, PP3, PP4

Literature cited by the submitters: PubMed 32693407.